The following is an entry in ClinVar:

ClinVar aggregate classification (germline): Uncertain significance. Review status: criteria provided, multiple submitters, no conflicts (2 of 4 stars). 2 submissions from 2 submitters: Uncertain significance (2). Last evaluated 2025-01-15.

Allele frequency attached by ClinVar (database versions not stated): ExAC 0.00013; ESP Exome Variant Server 0.00016; gnomAD 0.00015.

Submissions (2):

Labcorp Genetics (formerly Invitae), Labcorp
Classification: Uncertain significance. Last evaluated: 2025-01-15. Review status: criteria provided, single submitter. Criteria: Invitae Variant Classification Sherloc (09022015). Collection method: clinical testing. Allele origin: germline.
Comment: This sequence change replaces proline, which is neutral and non-polar, with serine, which is neutral and polar, at codon 334 of the SIX5 protein (p.Pro334Ser). This variant is present in population databases (rs368919157, gnomAD 0.06%), and has an allele count higher than expected for a pathogenic variant. This variant has not been reported in the literature in individuals affected with SIX5-related conditions. ClinVar contains an entry for this variant (Variation ID: 2055558). Invitae Evidence Modeling of protein sequence and biophysical properties (such as structural, functional, and spatial information, amino acid conservation, physicochemical variation, residue mobility, and thermodynamic stability) indicates that this missense variant is not expected to disrupt SIX5 protein function with a negative predictive value of 80%. In summary, the available evidence is currently insufficient to determine the role of this variant in disease. Therefore, it has been classified as a Variant of Uncertain Significance.

Ambry Genetics
Classification: Uncertain significance. Last evaluated: 2022-05-16. Review status: criteria provided, single submitter. Criteria: Ambry Variant Classification Scheme 2023. Collection method: clinical testing. Allele origin: germline.

NM_175875.5(SIX5):c.1000C>T (p.Pro334Ser)

Genes: SIX5 (SIX homeobox 5; minus strand), LOC107075317 (origin of replication in DMPK trinucleotide repeat region; plus strand). Cytogenetic location: 19q13.32.
Variant type: single nucleotide variant.
Coding change: c.1000C>T on transcript NM_175875.5 (MANE Select); coding-DNA position 1000, C replaced by T.
Protein change: p.Pro334Ser; replaces proline 334 with serine.
Molecular consequence: missense variant.
Genome position (GRCh38, 1-based): chr19:45,766,959, G>A on the plus strand (C>T on the coding strand, the complement: SIX5 is on the minus strand). VCF-style: chr19-45766959-G-A. GRCh37 (hg19) VCF-style: chr19-46270217-G-A.
Other names: short protein forms P334S.
Identifiers: ClinVar variation 2055558 (VCV002055558.5), dbSNP rs368919157, ClinGen allele CA9520697.